The following is an entry in ClinVar:

NM_002458.3(MUC5B):c.9387G>A (p.Pro3129=)

Genes: MUC5B (mucin 5B, oligomeric mucus/gel-forming; plus strand), MUC5B-AS1 (MUC5B antisense RNA 1; minus strand). Cytogenetic location: 11p15.5.
Variant type: single nucleotide variant.
Coding change: c.9387G>A on transcript NM_002458.3 (MANE Select); coding-DNA position 9387, G replaced by A.
Protein change: p.Pro3129=; no amino-acid change (proline 3129 retained).
Molecular consequence: synonymous variant.
Genome position (GRCh38, 1-based): chr11:1,246,267, G>A. VCF-style: chr11-1246267-G-A. GRCh37 (hg19) VCF-style: chr11-1267497-G-A.
Identifiers: ClinVar variation 2641252 (VCV002641252.24), dbSNP rs753647485, ClinGen allele CA5806976.

ClinVar aggregate classification (germline): Likely benign (1 of 4 stars; one submission).

Allele frequency attached by ClinVar (database versions not stated): gnomAD exomes 0.00005; ExAC 0.00007.

Submission:

CeGaT Center for Human Genetics Tuebingen
Classification: Likely benign. Last evaluated: 2022-12-01. Review status: criteria provided, single submitter. Criteria: CeGaT Center For Human Genetics Tuebingen Variant Classification Criteria Version 2. Collection method: clinical testing. Allele origin: germline. Affected: yes. Observed: 2 variant alleles.
Comment: MUC5B: BP4, BP7